The following is an entry in ClinVar:

ClinVar aggregate classification (germline): Conflicting classifications of pathogenicity. Review status: criteria provided, conflicting classifications (1 of 4 stars). 3 submissions from 3 submitters: Uncertain significance (1); Likely benign (1). 1 of the submissions does not count toward it. Last evaluated 2025-02-24.

Conditions:
Spastic paraplegia. Identifiers: MedGen C0037772, HP:0001258.
CYP7B1-related disorder. Also called: CYP7B1-related condition.

Allele frequency attached by ClinVar (database versions not stated): gnomAD 0.00004 and 0.00006; gnomAD exomes 0.00004; ExAC 0.00005; TOPMed 0.00005; ESP Exome Variant Server 0.00008; 1000 Genomes Project 30x 0.00047; 1000 Genomes Project 0.00060.
gnomAD v4.1: 17 of 1,613,484 alleles (0.0011%); highest among the groups gnomAD compares: African/African-American, 0.019%; no homozygotes.

Submissions (3):

Labcorp Genetics (formerly Invitae), Labcorp
Classification: Likely benign for Spastic paraplegia. Last evaluated: 2025-02-24. Review status: criteria provided, single submitter. Criteria: Invitae Variant Classification Sherloc (09022015). Collection method: clinical testing. Allele origin: germline.

Eurofins Ntd Llc (ga)
Classification: Uncertain significance. Last evaluated: 2018-07-16. Review status: criteria provided, single submitter. Criteria: EGL ClinVar v180209 classification definitions. Collection method: clinical testing. Allele origin: germline. Observed: 1 variant allele, 1 heterozygote.

PreventionGenetics, part of Exact Sciences
Classification: Likely benign for CYP7B1-related condition. Last evaluated: 2024-03-20. Review status: no assertion criteria provided. Collection method: clinical testing. Allele origin: germline. Not counted in ClinVar's aggregate classification.
Comment: This variant is classified as likely benign based on ACMG/AMP sequence variant interpretation guidelines (Richards et al. 2015 PMID: 25741868, with internal and published modifications).

NM_004820.5(CYP7B1):c.1476G>A (p.Gln492=)

Gene: CYP7B1 (cytochrome P450 family 7 subfamily B member 1; minus strand). Cytogenetic location: 8q12.3.
Variant type: single nucleotide variant.
Coding change: c.1476G>A on transcript NM_004820.5 (MANE Select); coding-DNA position 1476, G replaced by A.
Protein change: p.Gln492=; no amino-acid change (glutamine 492 retained).
Molecular consequence: synonymous variant. On other transcripts: intron variant (1).
Genome position (GRCh38, 1-based): chr8:64,596,687, C>T on the plus strand (G>A on the coding strand, the complement: CYP7B1 is on the minus strand). VCF-style: chr8-64596687-C-T. GRCh37 (hg19) VCF-style: chr8-65509244-C-T.
Other names: c.1234-6843G>A (NM_001324112.2); c.1476G>A (NM_004820.4).
Identifiers: ClinVar variation 598037 (VCV000598037.10), dbSNP rs372800597, ClinGen allele CA4763975.